The following is an entry in ClinVar:

ClinVar aggregate classification (germline): Likely pathogenic (1 of 4 stars; one submission).

Conditions:
Developmental and epileptic encephalopathy, 12 (DEE12). Identifiers: MedGen C3150988, MONDO:0013389, OMIM 613722.

Submission:

Labcorp Genetics (formerly Invitae), Labcorp
Classification: Likely pathogenic for Developmental and epileptic encephalopathy, 12. Last evaluated: 2022-03-20. Review status: criteria provided, single submitter. Criteria: Invitae Variant Classification Sherloc (09022015). Collection method: clinical testing. Allele origin: germline.
Comment: Algorithms developed to predict the effect of sequence changes on RNA splicing suggest that this variant may disrupt the consensus splice site. This variant has not been reported in the literature in individuals affected with PLCB1-related conditions. This variant is not present in population databases (gnomAD no frequency). This sequence change affects a donor splice site in intron 24 of the PLCB1 gene. It is expected to disrupt RNA splicing. Variants that disrupt the donor or acceptor splice site typically lead to a loss of protein function (PMID: 16199547), and loss-of-function variants in PLCB1 are known to be pathogenic (PMID: 24684524). In summary, the currently available evidence indicates that the variant is pathogenic, but additional data are needed to prove that conclusively. Therefore, this variant has been classified as Likely Pathogenic.

Literature cited by the submitters: PubMed 16199547; PubMed 24684524.

NM_015192.4(PLCB1):c.2656+1G>T

Gene: PLCB1 (phospholipase C beta 1; plus strand). Cytogenetic location: 20p12.3.
Variant type: single nucleotide variant.
Coding change: c.2656+1G>T on transcript NM_015192.4 (MANE Select); the canonical splice donor site of the intron after coding-DNA position 2656, G replaced by T.
Molecular consequence: splice donor variant.
Genome position (GRCh38, 1-based): chr20:8,757,179, G>T. VCF-style: chr20-8757179-G-T. GRCh37 (hg19) VCF-style: chr20-8737826-G-T.
Other names: c.2656+1G>T (NM_182734.3).
Identifiers: ClinVar variation 2115179 (VCV002115179.4), dbSNP rs2515326219, ClinGen allele CA408207459.